The following is an entry in ClinVar:

ClinVar aggregate classification (germline): Uncertain significance (1 of 4 stars; one submission).

Submission:

Ambry Genetics
Classification: Uncertain significance. Last evaluated: 2026-05-18. Review status: criteria provided, single submitter. Criteria: Ambry Variant Classification Scheme 2023. Collection method: clinical testing. Allele origin: germline.
Comment: The p.E83V variant (also known as c.248A>T), located in coding exon 3 of the SRP72 gene, results from an A to T substitution at nucleotide position 248. The glutamic acid at codon 83 is replaced by valine, an amino acid with dissimilar properties. This amino acid position is conserved. In addition, this alteration is predicted to be deleterious by in silico analysis. Based on the available evidence, the clinical significance of this variant remains unclear.

NM_006947.4(SRP72):c.248A>T (p.Glu83Val)

Gene: SRP72 (signal recognition particle 72; plus strand). Cytogenetic location: 4q12.
Variant type: single nucleotide variant.
Coding change: c.248A>T on transcript NM_006947.4 (MANE Select); coding-DNA position 248, A replaced by T.
Protein change: p.Glu83Val; replaces glutamic acid 83 with valine.
Molecular consequence: missense variant. On other transcripts: non-coding transcript variant (1).
Genome position (GRCh38, 1-based): chr4:56,471,737, A>T. VCF-style: chr4-56471737-A-T. GRCh37 (hg19) VCF-style: chr4-57337903-A-T.
Other names: c.248A>T, p.Glu83Val (NM_001267722.2); short protein forms E83V.
Identifiers: ClinVar variation 4865147 (VCV004865147.1).